The following is an entry in ClinVar:

NM_001040108.2(MLH3):c.710G>T (p.Gly237Val)

Gene: MLH3 (mutL homolog 3; minus strand). Cytogenetic location: 14q24.3.
Variant type: single nucleotide variant.
Coding change: c.710G>T on transcript NM_001040108.2 (MANE Select); coding-DNA position 710, G replaced by T.
Protein change: p.Gly237Val; replaces glycine 237 with valine.
Molecular consequence: missense variant.
Genome position (GRCh38, 1-based): chr14:75,048,946, C>A on the plus strand (G>T on the coding strand, the complement: MLH3 is on the minus strand). VCF-style: chr14-75048946-C-A. GRCh37 (hg19) VCF-style: chr14-75515649-C-A.
Other names: c.710G>T, p.Gly237Val (NM_014381.3); short protein forms G237V.
Identifiers: ClinVar variation 2448669 (VCV002448669.3), dbSNP rs1892467617, ClinGen allele CA390449501.
Genomic context (GRCh38, chr14:75,048,946, plus strand): 5'-CTTTTGTTCACAAACAAAAACTGCATATTCTTGTTGTAATGTGCTTCAGAGCTGATATAG[C>A]CACTAAGCTCAAACTCTTTATATTTAAAACTTATTTCTCTTAGCTTTTGGGACTTTCCCA-3'
Protein context (NP_001035197.1, residues 227-247): SFKYKEFELS[Gly237Val]YISSEAHYNK

ClinVar aggregate classification (germline): Uncertain significance (1 of 4 stars; one submission).

Allele frequency attached by ClinVar (database versions not stated): TOPMed below 0.00001.

Submission:

Ambry Genetics
Classification: Uncertain significance. Last evaluated: 2025-06-03. Review status: criteria provided, single submitter. Criteria: Ambry Variant Classification Scheme 2023. Collection method: clinical testing. Allele origin: germline.
Comment: The p.G237V variant (also known as c.710G>T), located in coding exon 1 of the MLH3 gene, results from a G to T substitution at nucleotide position 710. The glycine at codon 237 is replaced by valine, an amino acid with dissimilar properties. This amino acid position is conserved. In addition, this alteration is predicted to be deleterious by in silico analysis. Since supporting evidence is limited at this time, the clinical significance of this alteration remains unclear.